The following is an entry in ClinVar:

NM_015205.3(ATP11A):c.3247G>T (p.Val1083Leu)

Gene: ATP11A (ATPase phospholipid transporting 11A; plus strand). Cytogenetic location: 13q34.
Variant type: single nucleotide variant.
Coding change: c.3247G>T on transcript NM_015205.3 (MANE Select); coding-DNA position 3247, G replaced by T.
Protein change: p.Val1083Leu; replaces valine 1083 with leucine.
Molecular consequence: missense variant.
Genome position (GRCh38, 1-based): chr13:112,875,861, G>T. VCF-style: chr13-112875861-G-T. GRCh37 (hg19) VCF-style: chr13-113530175-G-T.
Other names: c.3247G>T, p.Val1083Leu (NM_032189.4); short protein forms V1083L.
Identifiers: ClinVar variation 714329 (VCV000714329.5), dbSNP rs116061828, ClinGen allele CA7057523.

ClinVar aggregate classification (germline): Benign/Likely benign. Review status: criteria provided, multiple submitters, no conflicts (2 of 4 stars). 3 submissions from 3 submitters: Benign (2); Likely benign (1). Last evaluated 2026-09-01.

Allele frequency attached by ClinVar (database versions not stated): TOPMed 0.00403; 1000 Genomes Project 0.00419; gnomAD 0.00451; 1000 Genomes Project 30x 0.00484; ESP Exome Variant Server 0.00492.
gnomAD v4.1: 1,207 of 1,613,940 alleles (0.075%); highest among the groups gnomAD compares: African/African-American, 1.4%; 4 homozygotes.

Submissions (3):

CeGaT Center for Human Genetics Tuebingen
Classification: Likely benign. Last evaluated: 2026-09-01. Review status: criteria provided, single submitter. Criteria: CeGaT Center For Human Genetics Tuebingen Variant Classification Criteria Version 2. Collection method: clinical testing. Allele origin: germline. Affected: yes. Observed: 1 variant allele.
Comment: ATP11A: BP4, BS1

Labcorp Genetics (formerly Invitae), Labcorp
Classification: Benign. Last evaluated: 2018-12-11. Review status: criteria provided, single submitter. Criteria: Invitae Variant Classification Sherloc (09022015). Collection method: clinical testing. Allele origin: germline.

Breakthrough Genomics
Classification: Benign. Review status: criteria provided, single submitter. Criteria: ACMG Guidelines, 2015. Collection method: not provided. Allele origin: germline. Inheritance: Autosomal dominant inheritance. Affected: yes.